The following is an entry in ClinVar:

NM_133497.4(KCNV2):c.359A>T (p.Lys120Met)

Gene: KCNV2 (potassium voltage-gated channel modifier subfamily V member 2; plus strand). Cytogenetic location: 9p24.2.
Variant type: single nucleotide variant.
Coding change: c.359A>T on transcript NM_133497.4 (MANE Select); coding-DNA position 359, A replaced by T.
Protein change: p.Lys120Met; replaces lysine 120 with methionine.
Molecular consequence: missense variant.
Genome position (GRCh38, 1-based): chr9:2,718,098, A>T. VCF-style: chr9-2718098-A-T. GRCh37 (hg19) VCF-style: chr9-2718098-A-T.
Other names: short protein forms K120M.
Identifiers: ClinVar variation 1464669 (VCV001464669.7), dbSNP rs1199220423, ClinGen allele CA372796690.

ClinVar aggregate classification (germline): Uncertain significance (1 of 4 stars; one submission).

Allele frequency attached by ClinVar (database versions not stated): gnomAD exomes below 0.00001.
gnomAD v4.1: 2 of 1,599,818 alleles (0.00013%); highest among the groups gnomAD compares: Non-Finnish European, 0.00017%; no homozygotes.

Submission:

Labcorp Genetics (formerly Invitae), Labcorp
Classification: Uncertain significance. Last evaluated: 2021-01-15. Review status: criteria provided, single submitter. Criteria: Invitae Variant Classification Sherloc (09022015). Collection method: clinical testing. Allele origin: germline.
Comment: This sequence change replaces lysine with methionine at codon 120 of the KCNV2 protein (p.Lys120Met). The lysine residue is highly conserved and there is a moderate physicochemical difference between lysine and methionine. This variant is not present in population databases (ExAC no frequency). This variant has not been reported in the literature in individuals with KCNV2-related conditions. Advanced modeling of protein sequence and biophysical properties (such as structural, functional, and spatial information, amino acid conservation, physicochemical variation, residue mobility, and thermodynamic stability) performed at Invitae indicates that this missense variant is not expected to disrupt KCNV2 protein function. In summary, the available evidence is currently insufficient to determine the role of this variant in disease. Therefore, it has been classified as a Variant of Uncertain Significance.